The following is an entry in ClinVar:

NM_000503.6(EYA1):c.1525T>A (p.Leu509Met)

Gene: EYA1 (EYA transcriptional coactivator and phosphatase 1; minus strand). Cytogenetic location: 8q13.3.
Variant type: single nucleotide variant.
Coding change: c.1525T>A on transcript NM_000503.6 (MANE Select); coding-DNA position 1525, T replaced by A.
Protein change: p.Leu509Met; replaces leucine 509 with methionine.
Molecular consequence: missense variant.
Genome position (GRCh38, 1-based): chr8:71,215,459, A>T on the plus strand (T>A on the coding strand, the complement: EYA1 is on the minus strand). VCF-style: chr8-71215459-A-T. GRCh37 (hg19) VCF-style: chr8-72127694-A-T.
Other names: c.1507T>A, p.Leu503Met (NM_001288574.2, NM_172059.5); c.1159T>A, p.Leu387Met (NM_001288575.2); c.1612T>A, p.Leu538Met (NM_001370333.1); c.1525T>A, p.Leu509Met (NM_001370334.1, NM_001370335.1, NM_172058.4); c.1504T>A, p.Leu502Met (NM_001370336.1); c.1426T>A, p.Leu476Met (NM_001411797.1, NM_172060.4); short protein forms L387M, L476M, L502M, L503M, L509M, L538M.
Identifiers: ClinVar variation 1721668 (VCV001721668.5), dbSNP rs1411717927, ClinGen allele CA371466204.

ClinVar aggregate classification (germline): Uncertain significance (1 of 4 stars; one submission).

Conditions:
Melnick-Fraser syndrome (BOR). Also called: Branchio-oto-renal syndrome; Branchiootorenal Syndrome (BORS); Branchiootorenal syndrome. Identifiers: Orphanet 107, MedGen C0265234, MONDO:0007029.

gnomAD v4.1: 1 of 1,613,536 alleles (0.000062%); highest among the groups gnomAD compares: African/African-American, 0.0013%; no homozygotes.

Submission:

Labcorp Genetics (formerly Invitae), Labcorp
Classification: Uncertain significance for Melnick-Fraser syndrome. Last evaluated: 2022-10-15. Review status: criteria provided, single submitter. Criteria: Invitae Variant Classification Sherloc (09022015). Collection method: clinical testing. Allele origin: germline.
Comment: In summary, the available evidence is currently insufficient to determine the role of this variant in disease. Therefore, it has been classified as a Variant of Uncertain Significance. Advanced modeling of protein sequence and biophysical properties (such as structural, functional, and spatial information, amino acid conservation, physicochemical variation, residue mobility, and thermodynamic stability) has been performed at Invitae for this missense variant, however the output from this modeling did not meet the statistical confidence thresholds required to predict the impact of this variant on EYA1 protein function. This variant has not been reported in the literature in individuals affected with EYA1-related conditions. This variant is not present in population databases (gnomAD no frequency). This sequence change replaces leucine, which is neutral and non-polar, with methionine, which is neutral and non-polar, at codon 509 of the EYA1 protein (p.Leu509Met).